The following is an entry in ClinVar:

NM_001379270.1(CNGA1):c.-15+10310G>A

Genes: CNGA1 (cyclic nucleotide gated channel subunit alpha 1; minus strand), LOC101927157 (uncharacterized LOC101927157; plus strand). Cytogenetic location: 4p12.
Variant type: single nucleotide variant.
Coding change: c.-15+10310G>A on transcript NM_001379270.1 (MANE Select); 10310 bases into the intron after 15 bases upstream of the start codon, G replaced by A.
Molecular consequence: intron variant. On other transcripts: 5 prime UTR variant (1).
Genome position (GRCh38, 1-based): chr4:47,971,083, C>T on the plus strand (G>A on the coding strand, the complement: CNGA1 is on the minus strand). VCF-style: chr4-47971083-C-T. GRCh37 (hg19) VCF-style: chr4-47973100-C-T.
Other names: c.-202G>A (NM_001142564.2); c.-15+10310G>A (NM_000087.5).
Identifiers: ClinVar variation 3035342 (VCV003035342.2), dbSNP rs747300096, ClinGen allele CA2911422.

ClinVar aggregate classification (germline): Likely benign (0 of 4 stars; one submission).

Conditions:
CNGA1-related disorder. Also called: CNGA1-related condition.

Allele frequency attached by ClinVar (database versions not stated): gnomAD 0.00003; gnomAD exomes 0.00004.
gnomAD v4.1: 16 of 450,444 alleles (0.0036%); highest among the groups gnomAD compares: East Asian, 0.007%; no homozygotes.

Submission:

PreventionGenetics, part of Exact Sciences
Classification: Likely benign for CNGA1-related condition. Last evaluated: 2019-08-28. Review status: no assertion criteria provided. Collection method: clinical testing. Allele origin: germline.
Comment: This variant is classified as likely benign based on ACMG/AMP sequence variant interpretation guidelines (Richards et al. 2015 PMID: 25741868, with internal and published modifications).